The following is an entry in ClinVar:

NM_000455.5(STK11):c.204C>T (p.Asp68=)

Gene: STK11 (serine/threonine kinase 11; plus strand). Cytogenetic location: 19p13.3.
Variant type: single nucleotide variant.
Coding change: c.204C>T on transcript NM_000455.5 (MANE Select); coding-DNA position 204, C replaced by T.
Protein change: p.Asp68=; no amino-acid change (aspartic acid 68 retained).
Molecular consequence: synonymous variant.
Genome position (GRCh38, 1-based): chr19:1,207,117, C>T. VCF-style: chr19-1207117-C-T. GRCh37 (hg19) VCF-style: chr19-1207116-C-T.
Identifiers: ClinVar variation 771997 (VCV000771997.14), dbSNP rs1337286592, ClinGen allele CA504706301.

ClinVar aggregate classification (germline): Benign/Likely benign. Review status: criteria provided, multiple submitters, no conflicts (2 of 4 stars). 3 submissions from 3 submitters: Benign (1); Likely benign (2). Last evaluated 2025-03-25.

Conditions:
Hereditary cancer-predisposing syndrome. Also called: Neoplastic Syndromes, Hereditary; Hereditary neoplastic syndrome; Tumor predisposition; Hereditary Cancer Syndrome. Identifiers: Orphanet 140162, MedGen C0027672, MeSH D009386, MONDO:0015356.
Peutz-Jeghers syndrome (PJS). Also called: Peutz-Jeghers polyposis; Periorificial lentiginosis syndrome; POLYPOSIS, HAMARTOMATOUS INTESTINAL; POLYPS-AND-SPOTS SYNDROME. Identifiers: Orphanet 2869, MedGen C0031269, MeSH D010580, MONDO:0008280, OMIM 175200.

Allele frequency attached by ClinVar (database versions not stated): gnomAD exomes below 0.00001.
gnomAD v4.1: 2 of 1,613,852 alleles (0.00012%); highest among the groups gnomAD compares: Non-Finnish European, 0.00017%; no homozygotes.

Submissions (3):

Myriad Genetics, Inc.
Classification: Benign for Peutz-Jeghers syndrome. Last evaluated: 2025-03-25. Review status: criteria provided, single submitter. Criteria: Myriad Autosomal Dominant, Autosomal Recessive and X-Linked Classification Criteria (2023). Collection method: clinical testing. Allele origin: unknown.
Comment: This variant is considered benign. This variant is a silent/synonymous amino acid change and it is not expected to impact splicing.

Labcorp Genetics (formerly Invitae), Labcorp
Classification: Likely benign for Peutz-Jeghers syndrome. Last evaluated: 2024-11-11. Review status: criteria provided, single submitter. Criteria: Invitae Variant Classification Sherloc (09022015). Collection method: clinical testing. Allele origin: germline.

Ambry Genetics
Classification: Likely benign for Hereditary cancer-predisposing syndrome. Last evaluated: 2018-05-18. Review status: criteria provided, single submitter. Criteria: Ambry Variant Classification Scheme 2023. Collection method: clinical testing. Allele origin: germline.